The following is an entry in ClinVar:

ClinVar aggregate classification (germline): Pathogenic/Likely pathogenic. Review status: criteria provided, multiple submitters, no conflicts (2 of 4 stars). 2 submissions from 2 submitters: Pathogenic (1); Likely pathogenic (1). Last evaluated 2024-06-06.

Conditions:
Mucopolysaccharidosis type 7 (MPS7). Also called: MPS VII; BETA-GLUCURONIDASE DEFICIENCY; GUSB DEFICIENCY; SLY SYNDROME. Identifiers: Orphanet 584, MedGen C0085132, MONDO:0009662, OMIM 253220.

Submissions (2):

Fulgent Genetics
Classification: Likely pathogenic for Mucopolysaccharidosis type 7. Last evaluated: 2024-06-06. Review status: criteria provided, single submitter. Criteria: ACMG Guidelines, 2015. Collection method: clinical testing. Allele origin: germline.

Labcorp Genetics (formerly Invitae), Labcorp
Classification: Pathogenic for Mucopolysaccharidosis type 7. Last evaluated: 2023-07-16. Review status: criteria provided, single submitter. Criteria: Invitae Variant Classification Sherloc (09022015). Collection method: clinical testing. Allele origin: germline.
Comment: For these reasons, this variant has been classified as Pathogenic. This variant has not been reported in the literature in individuals affected with GUSB-related conditions. This variant is not present in population databases (gnomAD no frequency). This sequence change creates a premature translational stop signal (p.Gln31*) in the GUSB gene. It is expected to result in an absent or disrupted protein product. Loss-of-function variants in GUSB are known to be pathogenic (PMID: 19224584).

Literature cited by the submitters: PubMed 19224584 (cited by Labcorp Genetics (formerly Invitae), Labcorp).

NM_000181.4(GUSB):c.91C>T (p.Gln31Ter)

Gene: GUSB (glucuronidase beta; minus strand). Cytogenetic location: 7q11.21.
Variant type: single nucleotide variant.
Coding change: c.91C>T on transcript NM_000181.4 (MANE Select); coding-DNA position 91, C replaced by T.
Protein change: p.Gln31Ter; replaces glutamine 31 with a stop codon.
Molecular consequence: nonsense. On other transcripts: 5 prime UTR variant (2), non-coding transcript variant (1).
Genome position (GRCh38, 1-based): chr7:65,982,093, G>A on the plus strand (C>T on the coding strand, the complement: GUSB is on the minus strand). VCF-style: chr7-65982093-G-A. GRCh37 (hg19) VCF-style: chr7-65447080-G-A.
Other names: c.91C>T, p.Gln31Ter (NM_001284290.2); c.-295C>T (NM_001293104.2); c.-239C>T (NM_001293105.2); short protein forms Q31*.
Identifiers: ClinVar variation 2743822 (VCV002743822.4), dbSNP rs2484858214, ClinGen allele CA367655348.